The following is an entry in ClinVar:

NC_000002.12:g.227082188del

Gene: COL4A4 (collagen type IV alpha 4 chain; minus strand). Cytogenetic location: 2q36.3.
Variant type: Deletion.
Genome position: GRCh38 VCF-style: chr2-227082185-TC-T. GRCh37 (hg19) VCF-style: chr2-227946901-TC-T.
Identifiers: ClinVar variation 3649043 (VCV003649043.2).

ClinVar aggregate classification (germline): Pathogenic (1 of 4 stars; one submission).

Submission:

Labcorp Genetics (formerly Invitae), Labcorp
Classification: Pathogenic. Last evaluated: 2024-04-06. Review status: criteria provided, single submitter. Criteria: Invitae Variant Classification Sherloc (09022015). Collection method: clinical testing. Allele origin: germline.
Comment: This sequence change creates a premature translational stop signal (p.Gly542Glufs*111) in the COL4A4 gene. It is expected to result in an absent or disrupted protein product. Loss-of-function variants in COL4A4 are known to be pathogenic (PMID: 21196518, 24854265, 25307543). This variant is present in population databases (rs768405199, gnomAD 0.0009%). This variant has not been reported in the literature in individuals affected with COL4A4-related conditions. For these reasons, this variant has been classified as Pathogenic.

Literature cited by the submitters: PubMed 21196518; PubMed 24854265; PubMed 25307543.